The following is an entry in ClinVar:

NM_001042492.3(NF1):c.1340T>C (p.Leu447Pro)

Gene: NF1 (neurofibromin 1; plus strand). Cytogenetic location: 17q11.2.
Variant type: single nucleotide variant.
Coding change: c.1340T>C on transcript NM_001042492.3 (MANE Select); coding-DNA position 1340, T replaced by C.
Protein change: p.Leu447Pro; replaces leucine 447 with proline.
Molecular consequence: missense variant.
Genome position (GRCh38, 1-based): chr17:31,206,319, T>C. VCF-style: chr17-31206319-T-C. GRCh37 (hg19) VCF-style: chr17-29533337-T-C.
Other names: c.1340T>C, p.Leu447Pro (NM_000267.4, NM_001128147.3); short protein forms L447P.
Identifiers: ClinVar variation 663394 (VCV000663394.5), dbSNP rs1597688896, ClinGen allele CA398999562.

ClinVar aggregate classification (germline): Pathogenic (1 of 4 stars; one submission).

Conditions:
Neurofibromatosis, type 1 (NF1). Also called: VON RECKLINGHAUSEN DISEASE; NEUROFIBROMATOSIS, TYPE I, SOMATIC; Peripheral type neurofibromatosis; Neurofibromatosis, type I. Identifiers: Orphanet 636, MedGen C0027831, MONDO:0018975, OMIM 162200. Disease mechanism: loss of function.

Submission:

Labcorp Genetics (formerly Invitae), Labcorp
Classification: Pathogenic for Neurofibromatosis, type 1. Last evaluated: 2023-08-04. Review status: criteria provided, single submitter. Criteria: Invitae Variant Classification Sherloc (09022015). Collection method: clinical testing. Allele origin: germline.
Comment: For these reasons, this variant has been classified as Pathogenic. Advanced modeling of protein sequence and biophysical properties (such as structural, functional, and spatial information, amino acid conservation, physicochemical variation, residue mobility, and thermodynamic stability) performed at Invitae indicates that this missense variant is expected to disrupt NF1 protein function. ClinVar contains an entry for this variant (Variation ID: 663394). This missense change has been observed in individual(s) with neurofibromatosis type 1 (Invitae). In at least one individual the variant was observed to be de novo. This variant is not present in population databases (gnomAD no frequency). This sequence change replaces leucine, which is neutral and non-polar, with proline, which is neutral and non-polar, at codon 447 of the NF1 protein (p.Leu447Pro).